The following is an entry in ClinVar:

NM_000053.4(ATP7B):c.3304A>T (p.Ile1102Phe)

Gene: ATP7B (ATPase copper transporting beta; minus strand). Cytogenetic location: 13q14.3.
Variant type: single nucleotide variant.
Coding change: c.3304A>T on transcript NM_000053.4 (MANE Select); coding-DNA position 3304, A replaced by T.
Protein change: p.Ile1102Phe; replaces isoleucine 1102 with phenylalanine.
Molecular consequence: missense variant.
Genome position (GRCh38, 1-based): chr13:51,942,494, T>A on the plus strand (A>T on the coding strand, the complement: ATP7B is on the minus strand). VCF-style: chr13-51942494-T-A. GRCh37 (hg19) VCF-style: chr13-52516630-T-A.
Other names: c.2683A>T, p.Ile895Phe (NM_001005918.3); c.2971A>T, p.Ile991Phe (NM_001243182.2); c.3070A>T, p.Ile1024Phe (NM_001330578.2); c.3052A>T, p.Ile1018Phe (NM_001330579.2); short protein forms I895F, I991F, I1024F, I1018F, I1102F.
Identifiers: ClinVar variation 1482909 (VCV001482909.8), dbSNP rs2138854011, ClinGen allele CA388028513.

ClinVar aggregate classification (germline): Likely pathogenic (1 of 4 stars; one submission).

Conditions:
Wilson disease (WND). Also called: Wilson's disease. Identifiers: Orphanet 905, MedGen C0019202, MONDO:0010200, OMIM 277900. Disease mechanism: loss of function.

Submission:

Labcorp Genetics (formerly Invitae), Labcorp
Classification: Likely pathogenic for Wilson disease. Last evaluated: 2021-05-17. Review status: criteria provided, single submitter. Criteria: Invitae Variant Classification Sherloc (09022015). Collection method: clinical testing. Allele origin: germline.
Comment: In summary, the currently available evidence indicates that the variant is pathogenic, but additional data are needed to prove that conclusively. Therefore, this variant has been classified as Likely Pathogenic. This variant disrupts the p.Ile1102 amino acid residue in ATP7B. Other variant(s) that disrupt this residue have been determined to be pathogenic (PMID: 30980273, 7626145, 24003324, 20333758). This suggests that this residue is clinically significant, and that variants that disrupt this residue are likely to be disease-causing. Advanced modeling of protein sequence and biophysical properties (such as structural, functional, and spatial information, amino acid conservation, physicochemical variation, residue mobility, and thermodynamic stability) performed at Invitae indicates that this missense variant is expected to disrupt ATP7B protein function. This variant has not been reported in the literature in individuals with ATP7B-related conditions. This variant is not present in population databases (ExAC no frequency). This sequence change replaces isoleucine with phenylalanine at codon 1102 of the ATP7B protein (p.Ile1102Phe). The isoleucine residue is highly conserved and there is a small physicochemical difference between isoleucine and phenylalanine.

Literature cited by the submitters: PubMed 30980273; PubMed 7626145; PubMed 24003324; PubMed 20333758.